The following is an entry in ClinVar:

NM_198525.3(KIF7):c.328+2T>G

Gene: KIF7 (kinesin family member 7; minus strand). Cytogenetic location: 15q26.1.
Variant type: single nucleotide variant.
Coding change: c.328+2T>G on transcript NM_198525.3 (MANE Select); the canonical splice donor site of the intron after coding-DNA position 328, T replaced by G.
Molecular consequence: splice donor variant.
Genome position (GRCh38, 1-based): chr15:89,652,601, A>C on the plus strand (T>G on the coding strand, the complement: KIF7 is on the minus strand). VCF-style: chr15-89652601-A-C. GRCh37 (hg19) VCF-style: chr15-90195832-A-C.
Identifiers: ClinVar variation 520764 (VCV000520764.18), dbSNP rs781752990, ClinGen allele CA7728659.

ClinVar aggregate classification (germline): Pathogenic/Likely pathogenic. Review status: criteria provided, multiple submitters, no conflicts (2 of 4 stars). 8 submissions from 8 submitters: Pathogenic (1); Likely pathogenic (6). 1 of the submissions does not count toward it. Last evaluated 2025-09-02.

Conditions:
Inborn genetic diseases. Identifiers: MedGen C0950123, MeSH D030342.
Acrocallosal syndrome (ACLS). Also called: Schinzel syndrome 1; Absence of corpus callosum with unusual facial appearance, mental deficiency, duplication of the halluces and polydactyly; HALLUX DUPLICATION, POSTAXIAL POLYDACTYLY, AND ABSENCE OF CORPUS CALLOSUM. Identifiers: Orphanet 36, MedGen C0796147, MONDO:0008708, OMIM 200990.
KIF7-related disorder. Also called: KIF7-related condition.
Multiple epiphyseal dysplasia, Al-Gazali type. Also called: Macrocephaly with multiple epiphyseal dysplasia and distinctive facies. Identifiers: Orphanet 166024, MedGen C1846722, MONDO:0011778, OMIM 607131.
Hydrolethalus syndrome 2 (HLS2). Identifiers: Orphanet 2189, MedGen C3279899, MONDO:0013585, OMIM 614120.

Allele frequency attached by ClinVar (database versions not stated): gnomAD exomes 0.00003 and 0.00004; TOPMed 0.00003; gnomAD 0.00004; ExAC 0.00009.
gnomAD v4.1: 48 of 1,516,792 alleles (0.0032%); highest among the groups gnomAD compares: Non-Finnish European, 0.0041%; no homozygotes.

Submissions (8):

Labcorp Genetics (formerly Invitae), Labcorp
Classification: Likely pathogenic for Acrocallosal syndrome. Last evaluated: 2025-09-02. Review status: criteria provided, single submitter. Criteria: Invitae Variant Classification Sherloc (09022015). Collection method: clinical testing. Allele origin: germline.
Comment: This sequence change affects a donor splice site in intron 2 of the KIF7 gene. It is expected to disrupt RNA splicing. Variants that disrupt the donor or acceptor splice site typically lead to a loss of protein function (PMID: 16199547), and loss-of-function variants in KIF7 are known to be pathogenic (PMID: 19666503, 21552264, 21633164, 26648833). The frequency data for this variant in the population databases is considered unreliable, as metrics indicate poor data quality at this position in the gnomAD database. This variant has not been reported in the literature in individuals affected with KIF7-related conditions. ClinVar contains an entry for this variant (Variation ID: 520764). Algorithms developed to predict the effect of sequence changes on RNA splicing suggest that this variant may disrupt the consensus splice site. In summary, the currently available evidence indicates that the variant is pathogenic, but additional data are needed to prove that conclusively. Therefore, this variant has been classified as Likely Pathogenic.

Fulgent Genetics
Classification: Likely pathogenic for Acrocallosal syndrome; Multiple epiphyseal dysplasia, Al-Gazali type; Hydrolethalus syndrome 2. Last evaluated: 2024-04-10. Review status: criteria provided, single submitter. Criteria: ACMG Guidelines, 2015. Collection method: clinical testing. Allele origin: germline.

GeneDx
Classification: Likely pathogenic. Last evaluated: 2023-12-12. Review status: criteria provided, single submitter. Criteria: GeneDx Variant Classification Process June 2021. Collection method: clinical testing. Allele origin: germline. Affected: yes.
Comment: Canonical splice site variant predicted to result in a null allele in a gene for which loss of function is a known mechanism of disease; Not observed at significant frequency in large population cohorts (gnomAD); Has not been previously published as pathogenic or benign to our knowledge

Clinical Genetics Laboratory, Skane University Hospital Lund
Classification: Likely pathogenic. Last evaluated: 2022-07-13. Review status: criteria provided, single submitter. Criteria: ACMG Guidelines, 2015. Collection method: clinical testing. Allele origin: germline. Affected: yes.

Blueprint Genetics
Classification: Likely pathogenic for KIF7-related disorders. Last evaluated: 2021-05-05. Review status: criteria provided, single submitter. Criteria: ACMG Guidelines, 2015. Collection method: clinical testing. Allele origin: germline. Affected: yes. Observed: 3 variant alleles.

Genetic Services Laboratory, University of Chicago
Classification: Likely pathogenic. Last evaluated: 2017-07-07. Review status: criteria provided, single submitter. Criteria: ACMG Guidelines, 2015. Collection method: clinical testing. Allele origin: germline. Affected: yes.

Ambry Genetics
Classification: Pathogenic for Inborn genetic diseases. Last evaluated: 2015-10-05. Review status: criteria provided, single submitter. Criteria: Ambry exome assertion method (8-5-2015). Collection method: clinical testing. Allele origin: germline. Affected: yes. Observed: 1 variant allele.

PreventionGenetics, part of Exact Sciences
Classification: Likely pathogenic for KIF7-related condition. Last evaluated: 2024-05-06. Review status: no assertion criteria provided. Collection method: clinical testing. Allele origin: germline. Not counted in ClinVar's aggregate classification.
Comment: The KIF7 c.328+2T>G variant is predicted to disrupt the GT donor site and interfere with normal splicing. To our knowledge, this variant has not been reported in the literature. This variant is reported in 0.0087% of alleles in individuals of European (Non-Finnish) descent in gnomAD. Variants that disrupt the consensus splice donor site in KIF7 are expected to be pathogenic. This variant is interpreted as likely pathogenic.

Literature cited by the submitters: PubMed 16199547 (cited by Labcorp Genetics (formerly Invitae), Labcorp); PubMed 19666503 (cited by Labcorp Genetics (formerly Invitae), Labcorp); PubMed 21552264 (cited by Labcorp Genetics (formerly Invitae), Labcorp); PubMed 21633164 (cited by Labcorp Genetics (formerly Invitae), Labcorp); PubMed 26648833 (cited by Labcorp Genetics (formerly Invitae), Labcorp).